The following is an entry in ClinVar:

NM_007254.4(PNKP):c.1291del (p.Arg431fs)

Gene: PNKP (polynucleotide kinase 3'-phosphatase; minus strand). Cytogenetic location: 19q13.33.
Variant type: Deletion.
Coding change: c.1291del on transcript NM_007254.4 (MANE Select); coding-DNA position 1291, one base deleted (C; older notation c.1291delC).
Protein change: p.Arg431fs; shifts the reading frame from arginine 431.
Molecular consequence: frameshift variant.
Genome position (GRCh38, 1-based): chr19:49,861,779, G deleted on the plus strand (C on the coding strand, the reverse complement: PNKP is on the minus strand); the first of 2 consecutive G bases (chr19:49,861,779-49,861,780); deleting either gives the same sequence. VCF-style (leftmost placement, unchanged base first): chr19-49861778-CG-C. GRCh37 (hg19) VCF-style: chr19-50365035-CG-C.
Other names: short protein forms R431fs.
Identifiers: ClinVar variation 5006025 (VCV005006025.2).

ClinVar aggregate classification (germline): Uncertain significance (1 of 4 stars; one submission).

Conditions:
Ataxia - oculomotor apraxia type 4. Identifiers: Orphanet 459033, MedGen C4225397, MONDO:0014557, OMIM 616267.
Microcephaly, seizures, and developmental delay. Identifiers: Orphanet 1934, MedGen C3150667, MONDO:0013254, OMIM 613402.
Charcot-Marie-Tooth disease type 2B2 (CMT2B2). Also called: CHARCOT-MARIE-TOOTH DISEASE, NEURONAL, TYPE 2B2; CHARCOT-MARIE-TOOTH DISEASE, AXONAL, TYPE 2B2; Charcot-Marie-Tooth Neuropathy Type 2B2; CHARCOT-MARIE-TOOTH DISEASE, AXONAL, AUTOSOMAL RECESSIVE, TYPE 2B2. Identifiers: Orphanet 101101, MedGen C1854150, MONDO:0011570, OMIM 605589.

Submission:

Juno Genomics, Hangzhou Juno Genomics, Inc
Classification: Uncertain significance for Charcot-Marie-Tooth disease type 2B2; Ataxia - oculomotor apraxia type 4; Microcephaly, seizures, and developmental delay. Review status: criteria provided, single submitter. Criteria: ACMG Guidelines, 2015. Collection method: clinical testing. Allele origin: germline.
Comment: Null variant in a gene where loss of function (LOF) is a known mechanism of disease.;Absent from controls (or at extremely low frequency if recessive) in Genome Aggregation Database.